The following is an entry in ClinVar:

NM_000071.3(CBS):c.306G>C (p.Lys102Asn)

Gene: CBS (cystathionine beta-synthase; minus strand). Cytogenetic location: 21q22.3.
Variant type: single nucleotide variant.
Coding change: c.306G>C on transcript NM_000071.3 (MANE Select); coding-DNA position 306, G replaced by C.
Protein change: p.Lys102Asn; replaces lysine 102 with asparagine.
Molecular consequence: missense variant.
Genome position (GRCh38, 1-based): chr21:43,068,519, C>G on the plus strand (G>C on the coding strand, the complement: CBS is on the minus strand). VCF-style: chr21-43068519-C-G. GRCh37 (hg19) VCF-style: chr21-44488629-C-G.
Other names: c.306G>C, p.Lys102Asn (NM_001178008.3, NM_001178009.3, NM_001320298.2); short protein forms K102N.
Identifiers: ClinVar variation 188989 (VCV000188989.7), dbSNP rs786204609, ClinGen allele CA274220.

ClinVar aggregate classification (germline): Uncertain significance. Review status: criteria provided, multiple submitters, no conflicts (2 of 4 stars). 4 submissions from 4 submitters: Uncertain significance (3). 1 of the submissions does not count toward it. Last evaluated 2023-03-15.

Conditions:
Familial thoracic aortic aneurysm and aortic dissection (TAAD). Also called: Thoracic aortic aneurysms and dissections. Identifiers: Orphanet 91387, MedGen C4707243, MONDO:0019625.
Classic homocystinuria. Also called: Homocystinuria due to Cystathionine Beta-Synthase Deficiency; HOMOCYSTINURIA WITH OR WITHOUT RESPONSE TO PYRIDOXINE; Homocystinuria due to CBS deficiency; Cystathionine beta-synthase deficiency; CBS deficiency. Identifiers: Orphanet 394, MedGen C0751202, MONDO:0009352, OMIM 236200.
HYPERHOMOCYSTEINEMIA, THROMBOTIC, CBS-RELATED. Identifiers: MedGen C3150344, OMIM 236200.

Allele frequency attached by ClinVar (database versions not stated): gnomAD exomes below 0.00001.

Submissions (4):

Women's Health and Genetics/Laboratory Corporation of America, LabCorp
Classification: Uncertain significance. Last evaluated: 2023-03-15. Review status: criteria provided, single submitter. Criteria: LabCorp Variant Classification Summary - May 2015. Collection method: clinical testing. Allele origin: germline.
Comment: Variant summary: CBS c.306G>C (p.Lys102Asn) results in a non-conservative amino acid change located in the Tryptophan synthase beta chain-like, PALP domain (IPR001926) of the encoded protein sequence. Five of five in-silico tools predict a damaging effect of the variant on protein function. The variant allele was found at a frequency of 4e-06 in 251330 control chromosomes. The available data on variant occurrences in the general population are insufficient to allow any conclusion about variant significance. c.306G>C has been reported in the literature as a complex allele in cis alongside c.233C>G (p.Pro78Arg) in a biparentally confirmed compound heterozygous genotype with c.715G>A (p.E239K) (not reported in ClinVar) in trans in two affected siblings with features of Homocystinuria and their unaffected brother (deFranchis_1994). These report(s) do not provide unequivocal conclusions about association of the variant with Homocystinuria. Multiple publications report conflicting variant specific experimental evidence evaluating an impact on protein function in vitro (example, deFranchis_1994, Sen_2007, Mayfield_2012, Hnizda_2012, Melenovska_2015). The most pronounced variant effect results in widely variable CBS activities ranging from 30-50%, 89% or 6% of normal depending upon the expression systems and kinetic parameters evaluated (Ecoli, Yeast, CHO-K1 cells). The complex allele of Pro78Arg+Lys102Asn expressed in cis had 0% activity (deFranchis_1994). Two clinical diagnostic laboratories have submitted clinical-significance assessments for this variant to ClinVar after 2014 without evidence for independent evaluation. All laboratories classified the variant as uncertain significance. Based on the evidence outlined above, the variant was classified as uncertain significance.

Labcorp Genetics (formerly Invitae), Labcorp
Classification: Uncertain significance for HYPERHOMOCYSTEINEMIA, THROMBOTIC, CBS-RELATED. Last evaluated: 2022-06-14. Review status: criteria provided, single submitter. Criteria: Invitae Variant Classification Sherloc (09022015). Collection method: clinical testing. Allele origin: germline.
Comment: This sequence change replaces lysine, which is basic and polar, with asparagine, which is neutral and polar, at codon 102 of the CBS protein (p.Lys102Asn). This variant is present in population databases (rs786204609, gnomAD 0.0009%). This missense change has been observed in individual(s) with CBS deficiency (PMID: 7981678). ClinVar contains an entry for this variant (Variation ID: 188989). Algorithms developed to predict the effect of missense changes on protein structure and function are either unavailable or do not agree on the potential impact of this missense change (SIFT: "Tolerated"; PolyPhen-2: "Possibly Damaging"; Align-GVGD: "Class C0"). Experimental studies are conflicting or provide insufficient evidence to determine the effect of this variant on CBS function (PMID: 17352495, 25331909). Algorithms developed to predict the effect of sequence changes on RNA splicing suggest that this variant may create or strengthen a splice site. In summary, the available evidence is currently insufficient to determine the role of this variant in disease. Therefore, it has been classified as a Variant of Uncertain Significance.

Ambry Genetics
Classification: Uncertain significance for Familial thoracic aortic aneurysm and aortic dissection. Last evaluated: 2018-06-21. Review status: criteria provided, single submitter. Criteria: Ambry Variant Classification Scheme 2023. Collection method: clinical testing. Allele origin: germline.
Comment: The p.K102N variant (also known as c.306G>C), located in coding exon 2 of the CBS gene, results from a G to C substitution at nucleotide position 306. The lysine at codon 102 is replaced by asparagine, an amino acid with similar properties. This alteration was reported as occurring in cis with p.K102N as a complex allele [P78R:K102N] in three siblings with homocystinuria who had p.E239K in trans. The same study also reported that the complex allele led to abolished CBS activity while the individual variants resulted in reduced activity (de Franchis R et al. Hum. Mol. Genet., 1994 Jul;3:1103-8). The double variant was revealed to lose AdoMet-dependent regulation (Sen S et al. Biochemistry, 2007 Apr;46:4110-6). In addition, follow-up research suggested that the reduced activity of the individual variants might be rescued to some extent by improving protein folding (Kozich V et al. Hum. Mutat., 2010 Jul;31:809-19; Kopeck&aacute; J et al. J. Inherit. Metab. Dis., 2011 Feb;34:39-48). However, in yeast assays, this alteration was described to behave similarly to wildtype (Mayfield JA et al. Genetics, 2012 Apr;190:1309-23). This amino acid position is highly conserved in available vertebrate species. In addition, the in silico prediction for this alteration is inconclusive. Since supporting evidence is limited at this time, the clinical significance of this variant remains unclear.

Counsyl
Classification: Likely pathogenic for Homocystinuria due to CBS deficiency. Last evaluated: 2014-09-26. Review status: no assertion criteria provided. Collection method: literature only. Allele origin: unknown. Inheritance: Autosomal recessive inheritance. Not counted in ClinVar's aggregate classification.

Literature cited by the submitters: PubMed 22267502 (cited by 3 submitters); PubMed 25331909 (cited by Women's Health and Genetics/Laboratory Corporation of America, LabCorp and Labcorp Genetics (formerly Invitae), Labcorp); PubMed 17352495 (cited by 4 submitters); PubMed 7981678 (cited by 4 submitters); PubMed 10338090 (cited by Ambry Genetics); PubMed 12686134 (cited by Ambry Genetics and Counsyl); PubMed 17069888 (cited by Ambry Genetics and Counsyl); PubMed 20490928 (cited by Ambry Genetics and Counsyl); PubMed 20506325 (cited by Ambry Genetics and Counsyl); PubMed 7967489 (cited by Ambry Genetics and Counsyl).